The following is an entry in ClinVar:

ClinVar aggregate classification (germline): Uncertain significance (1 of 4 stars; one submission).

Allele frequency attached by ClinVar (database versions not stated): gnomAD exomes below 0.00001.
gnomAD v4.1: 1 of 1,613,370 alleles (0.000062%); highest among the groups gnomAD compares: Non-Finnish European, 0.000085%; no homozygotes.

Submission:

GeneDx
Classification: Uncertain significance. Last evaluated: 2023-04-13. Review status: criteria provided, single submitter. Criteria: GeneDx Variant Classification Process June 2021. Collection method: clinical testing. Allele origin: germline.
Comment: Not observed at significant frequency in large population cohorts (gnomAD); In silico analysis supports that this missense variant has a deleterious effect on protein structure/function; Has not been previously published as pathogenic or benign to our knowledge

NM_015021.3(ZNF292):c.6878G>T (p.Arg2293Ile)

Gene: ZNF292 (zinc finger protein 292; plus strand). Cytogenetic location: 6q14.3.
Variant type: single nucleotide variant.
Coding change: c.6878G>T on transcript NM_015021.3 (MANE Select); coding-DNA position 6878, G replaced by T.
Protein change: p.Arg2293Ile; replaces arginine 2293 with isoleucine.
Molecular consequence: missense variant.
Genome position (GRCh38, 1-based): chr6:87,260,507, G>T. VCF-style: chr6-87260507-G-T. GRCh37 (hg19) VCF-style: chr6-87970225-G-T.
Other names: c.6458G>T, p.Arg2153Ile (NM_001351444.2); short protein forms R2153I, R2293I.
Identifiers: ClinVar variation 2444791 (VCV002444791.2), dbSNP rs2482363293, ClinGen allele CA364941000.